The following is an entry in ClinVar:

ClinVar aggregate classification (germline): Uncertain significance (1 of 4 stars; one submission).

Submission:

Labcorp Genetics (formerly Invitae), Labcorp
Classification: Uncertain significance. Last evaluated: 2022-06-04. Review status: criteria provided, single submitter. Criteria: Invitae Variant Classification Sherloc (09022015). Collection method: clinical testing. Allele origin: germline.
Comment: This sequence change replaces alanine, which is neutral and non-polar, with valine, which is neutral and non-polar, at codon 72 of the CFD protein (p.Ala72Val). This variant is not present in population databases (gnomAD no frequency). This variant has not been reported in the literature in individuals affected with CFD-related conditions. Algorithms developed to predict the effect of missense changes on protein structure and function are either unavailable or do not agree on the potential impact of this missense change (SIFT: "Not Available"; PolyPhen-2: "Benign"; Align-GVGD: "Not Available"). In summary, the available evidence is currently insufficient to determine the role of this variant in disease. Therefore, it has been classified as a Variant of Uncertain Significance.

NM_001928.4(CFD):c.215C>T (p.Ala72Val)

Gene: CFD (complement factor D; plus strand). Cytogenetic location: 19p13.3.
Variant type: single nucleotide variant.
Coding change: c.215C>T on transcript NM_001928.4 (MANE Select); coding-DNA position 215, C replaced by T.
Protein change: p.Ala72Val; replaces alanine 72 with valine.
Molecular consequence: missense variant.
Genome position (GRCh38, 1-based): chr19:860,863, C>T. VCF-style: chr19-860863-C-T. GRCh37 (hg19) VCF-style: chr19-860863-C-T.
Other names: c.236C>T, p.Ala79Val (NM_001317335.2); short protein forms A72V, A79V.
Identifiers: ClinVar variation 2062993 (VCV002062993.4), dbSNP rs2512176402, ClinGen allele CA402920851.